The following is an entry in ClinVar:

ClinVar aggregate classification (germline): Benign/Likely benign. Review status: criteria provided, multiple submitters, no conflicts (2 of 4 stars). 3 submissions from 3 submitters: Benign (2); Likely benign (1). Last evaluated 2026-01-21.

Allele frequency attached by ClinVar (database versions not stated): ESP Exome Variant Server 0.00008; gnomAD 0.00021 and 0.00024; gnomAD exomes 0.00023 and 0.00044; TOPMed 0.00028; ExAC 0.00035.
gnomAD v4.1: 396 of 1,614,060 alleles (0.025%); highest among the groups gnomAD compares: Middle Eastern, 0.082%; 2 homozygotes.

Submissions (3):

Labcorp Genetics (formerly Invitae), Labcorp
Classification: Benign. Last evaluated: 2026-01-21. Review status: criteria provided, single submitter. Criteria: Invitae Variant Classification Sherloc (09022015). Collection method: clinical testing. Allele origin: germline.

CeGaT Center for Human Genetics Tuebingen
Classification: Benign. Last evaluated: 2025-10-01. Review status: criteria provided, single submitter. Criteria: CeGaT Center For Human Genetics Tuebingen Variant Classification Criteria Version 2. Collection method: clinical testing. Allele origin: germline. Affected: yes. Observed: 1 variant allele.
Comment: EMC1: BP4, BS1, BS2

Blueprint Genetics
Classification: Likely benign. Last evaluated: 2024-09-13. Review status: criteria provided, single submitter. Criteria: ACMG Guidelines, 2015. Collection method: clinical testing. Allele origin: germline.

NM_015047.3(EMC1):c.1482G>A (p.Leu494=)

Genes: EMC1 (ER membrane protein complex subunit 1; minus strand), EMC1-AS1 (EMC1 antisense RNA 1; plus strand). Cytogenetic location: 1p36.13.
Variant type: single nucleotide variant.
Coding change: c.1482G>A on transcript NM_015047.3 (MANE Select); coding-DNA position 1482, G replaced by A.
Protein change: p.Leu494=; no amino-acid change (leucine 494 retained).
Molecular consequence: synonymous variant.
Genome position (GRCh38, 1-based): chr1:19,233,086, C>T on the plus strand (G>A on the coding strand, the complement: EMC1 is on the minus strand). VCF-style: chr1-19233086-C-T. GRCh37 (hg19) VCF-style: chr1-19559580-C-T.
Other names: c.1491G>A, p.Leu497= (NM_001375820.1); c.1488G>A, p.Leu496= (NM_001375821.1); c.1479G>A, p.Leu493= (NM_001271427.2, NM_001271428.2); c.1416G>A, p.Leu472= (NM_001271429.2).
Identifiers: ClinVar variation 1169889 (VCV001169889.17), dbSNP rs144396621, ClinGen allele CA652562.
Genomic context (GRCh38, chr1:19,233,086, plus strand): 5'-ACTCCGGGGCTTCCGAGCATCATAAAACATTTTCCAGAGGTGGGAAGTCCATGCTTGCAG[C>T]AGGATAAGCTGAGACGAGAGGCGTTTCAGGAACATCCCCAGCAAGCCATCTGGTGTAAAG-3'
Protein context (NP_055862.1, residues 484-504): FLKRLSSQLI[Leu494=]LQAWTSHLWK